The following is an entry in ClinVar:

NM_032043.3(BRIP1):c.1899_1904del (p.Ile633_Leu635delinsMet)

Gene: BRIP1 (BRCA1 interacting DNA helicase 1; minus strand). Cytogenetic location: 17q23.2.
Variant type: Deletion.
Coding change: c.1899_1904del on transcript NM_032043.3 (MANE Select); coding-DNA positions 1899 to 1904, 6 bases deleted (CCAGCT; older notation c.1899_1904delCCAGCT).
Protein change: p.Ile633_Leu635delinsMet.
Molecular consequence: inframe indel.
Genome position (GRCh38, 1-based): chr17:61,780,292-61,780,297, AGCTGG deleted on the plus strand (CCAGCT on the coding strand, the reverse complement: BRIP1 is on the minus strand); deleting any 6 consecutive bases within chr17:61,780,292-61,780,298 gives the same sequence; the c. name uses the placement nearest the transcript's 3' end. VCF-style (leftmost placement, unchanged base first): chr17-61780291-CAGCTGG-C. GRCh37 (hg19) VCF-style: chr17-59857652-CAGCTGG-C.
Identifiers: ClinVar variation 3754475 (VCV003754475.2).

ClinVar aggregate classification (germline): Uncertain significance (1 of 4 stars; one submission).

Conditions:
Fanconi anemia complementation group J. Also called: BRIP1-Related Fanconi Anemia. Identifiers: Orphanet 84, MedGen C1836860, MONDO:0012187, OMIM 609054.
Familial cancer of breast. Also called: BREAST CANCER, FAMILIAL; Hereditary breast cancer; hereditary breast carcinoma. Identifiers: Orphanet 227535, MedGen C0346153, MONDO:0016419, OMIM 114480. Disease mechanism: loss of function.

Submission:

Labcorp Genetics (formerly Invitae), Labcorp
Classification: Uncertain significance for Familial cancer of breast; Fanconi anemia complementation group J. Last evaluated: 2024-02-07. Review status: criteria provided, single submitter. Criteria: Invitae Variant Classification Sherloc (09022015). Collection method: clinical testing. Allele origin: germline.
Comment: This variant, c.1899_1904del, results in the deletion of 3 and insertion of 1 amino acid(s) of the BRIP1 protein (p.Ile633_Leu635delinsMet), but otherwise preserves the integrity of the reading frame. This variant is not present in population databases (gnomAD no frequency). This variant has not been reported in the literature in individuals affected with BRIP1-related conditions. Experimental studies and prediction algorithms are not available or were not evaluated, and the functional significance of this variant is currently unknown. In summary, the available evidence is currently insufficient to determine the role of this variant in disease. Therefore, it has been classified as a Variant of Uncertain Significance.